The following is an entry in ClinVar:

NM_001370259.2(MEN1):c.647C>T (p.Ala216Val)

Gene: MEN1 (menin 1; minus strand). Cytogenetic location: 11q13.1.
Variant type: single nucleotide variant.
Coding change: c.647C>T on transcript NM_001370259.2 (MANE Select); coding-DNA position 647, C replaced by T.
Protein change: p.Ala216Val; replaces alanine 216 with valine.
Molecular consequence: missense variant. On other transcripts: intron variant (2).
Genome position (GRCh38, 1-based): chr11:64,807,898, G>A on the plus strand (C>T on the coding strand, the complement: MEN1 is on the minus strand). VCF-style: chr11-64807898-G-A. GRCh37 (hg19) VCF-style: chr11-64575370-G-A.
Other names: c.647C>T (NM_130799.2); c.662C>T, p.Ala221Val (NM_000244.4, NM_130800.3, NM_130801.3 and 3 more transcripts); c.647C>T, p.Ala216Val (NM_001370251.2, NM_001370260.2, NM_001370261.2 and 1 more transcripts); c.549+98C>T (NM_001370263.2, NM_001370262.2); short protein forms A216V, A221V.
Identifiers: ClinVar variation 1468884 (VCV001468884.9), dbSNP rs2136148590, ClinGen allele CA381185308.
Genomic context (GRCh38, chr11:64,807,898, plus strand): 5'-GGCTTGGGCTACTACAGTATGAAGGGGACAAGGCTGGGGGGAGGGAACAATACCCGCTCA[G>A]CCACACCGGCATTGACTGTCTGGCCCCTGCGGTCCTCGTTGCCCTTGCCGTGCCAGGTGA-3'
Protein context (NP_001357188.2, residues 206-226): RRGQTVNAGV[Ala216Val]ERSWLYLKGS

ClinVar aggregate classification (germline): Uncertain significance. Review status: criteria provided, multiple submitters, no conflicts (2 of 4 stars). 2 submissions from 2 submitters: Uncertain significance (2). Last evaluated 2024-04-17.

Conditions:
Multiple endocrine neoplasia, type 1 (MEN1). Also called: MEN I; WERMER SYNDROME; Endocrine adenomatosis multiple; MEN 1; MEA I. Identifiers: Orphanet 652, MedGen C0025267, MeSH D018761, MONDO:0007540, OMIM 131100.
Hereditary cancer-predisposing syndrome. Also called: Neoplastic Syndromes, Hereditary; Hereditary Cancer Syndrome; Tumor predisposition; Hereditary neoplastic syndrome. Identifiers: Orphanet 140162, MedGen C0027672, MeSH D009386, MONDO:0015356.

Submissions (2):

Labcorp Genetics (formerly Invitae), Labcorp
Classification: Uncertain significance for Multiple endocrine neoplasia, type 1. Last evaluated: 2024-04-17. Review status: criteria provided, single submitter. Criteria: Invitae Variant Classification Sherloc (09022015). Collection method: clinical testing. Allele origin: germline.
Comment: This sequence change replaces alanine, which is neutral and non-polar, with valine, which is neutral and non-polar, at codon 216 of the MEN1 protein (p.Ala216Val). This variant is not present in population databases (gnomAD no frequency). This variant has not been reported in the literature in individuals affected with MEN1-related conditions. ClinVar contains an entry for this variant (Variation ID: 1468884). Advanced modeling of protein sequence and biophysical properties (such as structural, functional, and spatial information, amino acid conservation, physicochemical variation, residue mobility, and thermodynamic stability) has been performed at Invitae for this missense variant, however the output from this modeling did not meet the statistical confidence thresholds required to predict the impact of this variant on MEN1 protein function. In summary, the available evidence is currently insufficient to determine the role of this variant in disease. Therefore, it has been classified as a Variant of Uncertain Significance.

Ambry Genetics
Classification: Uncertain significance for Hereditary cancer-predisposing syndrome. Last evaluated: 2024-03-19. Review status: criteria provided, single submitter. Criteria: Ambry Variant Classification Scheme 2023. Collection method: clinical testing. Allele origin: germline.
Comment: The p.A216V variant (also known as c.647C>T), located in coding exon 2 of the MEN1 gene, results from a C to T substitution at nucleotide position 647. The alanine at codon 216 is replaced by valine, an amino acid with similar properties. This variant was detected in 1/63 patients with non-medullary thyroid cancer (Yu Y et al. Sci Rep, 2015 Nov;5:16129). This amino acid position is well conserved in available vertebrate species. In addition, the in silico prediction for this alteration is inconclusive. Based on the available evidence, the clinical significance of this alteration remains unclear.

Literature cited by the submitters: PubMed 26530882 (cited by Ambry Genetics).